The following is an entry in ClinVar:

ClinVar aggregate classification (germline): Likely benign (1 of 4 stars; one submission).

Allele frequency attached by ClinVar (database versions not stated): gnomAD exomes 0.00002; ExAC 0.00003; TOPMed 0.00004; gnomAD 0.00005; 1000 Genomes Project 30x 0.00031.
gnomAD v4.1: 37 of 1,612,366 alleles (0.0023%); highest among the groups gnomAD compares: East Asian, 0.011%; no homozygotes.

Submission:

CeGaT Center for Human Genetics Tuebingen
Classification: Likely benign. Last evaluated: 2024-03-01. Review status: criteria provided, single submitter. Criteria: CeGaT Center For Human Genetics Tuebingen Variant Classification Criteria Version 2. Collection method: clinical testing. Allele origin: germline. Affected: yes. Observed: 1 variant allele.
Comment: BRSK2: BP4, BP7

NM_001256627.2(BRSK2):c.1161C>T (p.Ser387=)

Gene: BRSK2 (BR serine/threonine kinase 2; plus strand). Cytogenetic location: 11p15.5.
Variant type: single nucleotide variant.
Coding change: c.1161C>T on transcript NM_001256627.2 (MANE Select); coding-DNA position 1161, C replaced by T.
Protein change: p.Ser387=; no amino-acid change (serine 387 retained).
Molecular consequence: synonymous variant. On other transcripts: non-coding transcript variant (1).
Genome position (GRCh38, 1-based): chr11:1,445,842, C>T. VCF-style: chr11-1445842-C-T. GRCh37 (hg19) VCF-style: chr11-1467072-C-T.
Other names: c.1161C>T, p.Ser387= (NM_001256629.2, NM_003957.4); c.1299C>T, p.Ser433= (NM_001256630.1); c.981C>T, p.Ser327= (NM_001282218.2).
Identifiers: ClinVar variation 3067251 (VCV003067251.21), dbSNP rs564530908, ClinGen allele CA5810843.